The following is an entry in ClinVar:

ClinVar aggregate classification (germline): Pathogenic (1 of 4 stars; one submission).

Conditions:
Autosomal recessive limb-girdle muscular dystrophy type 2F (LGMDR6). Also called: MUSCULAR DYSTROPHY, LIMB-GIRDLE, AUTOSOMAL RECESSIVE 6; Muscular dystrophy limb-girdle with delta-sarcoglyan deficiency. Identifiers: Orphanet 219, MedGen C1832525, MONDO:0011028, OMIM 601287. Disease mechanism: Affects gamma-sarcoglycan and also disrupts the integrity of the entire sarcoglycan complex..

Submission:

Myriad Genetics, Inc.
Classification: Pathogenic for Autosomal recessive limb-girdle muscular dystrophy type 2F. Last evaluated: 2025-05-12. Review status: criteria provided, single submitter. Criteria: Myriad Autosomal Dominant, Autosomal Recessive and X-Linked Classification Criteria (2023). Collection method: clinical testing. Allele origin: unknown.
Comment: NM_000337.5(SGCD):c.506delC(A169Gfs*10) is a frameshift variant classified as pathogenic in the context of delta-sarcoglycanopathy. A169Gfs*10 has not been observed in cases with relevant disease. Relevant functional assessments of this variant are not available in the literature. A169Gfs*10 has not been observed in referenced population frequency databases. In summary, NM_000337.5(SGCD):c.506delC(A169Gfs*10) is a frameshift variant in a gene where loss of function is a known mechanism of disease and is predicted to disrupt protein function. Please note: this variant was assessed in the context of healthy population screening.

NM_000337.6(SGCD):c.506del (p.Ala169fs)

Gene: SGCD (sarcoglycan delta; plus strand). Cytogenetic location: 5q33.3.
Variant type: Deletion.
Coding change: c.506del on transcript NM_000337.6 (MANE Select); coding-DNA position 506, one base deleted (C; older notation c.506delC).
Protein change: p.Ala169fs; shifts the reading frame from alanine 169.
Molecular consequence: frameshift variant.
Genome position (GRCh38, 1-based): chr5:156,647,467, C deleted. VCF-style (leftmost placement, unchanged base first): chr5-156647466-GC-G. GRCh37 (hg19) VCF-style: chr5-156074476-GC-G.
Other names: c.503del, p.Ala168fs (NM_001128209.2); c.506del, p.Ala169fs (NM_172244.3); short protein forms A168fs, A169fs.
Identifiers: ClinVar variation 4081797 (VCV004081797.1).